The following is an entry in ClinVar:

ClinVar aggregate classification (germline): Uncertain significance (1 of 4 stars; one submission).

Conditions:
Rhabdoid tumor predisposition syndrome 2 (RTPS2). Identifiers: Orphanet 231108, Orphanet 69077, MedGen C2750074, MONDO:0013224, OMIM 613325.

Submission:

Labcorp Genetics (formerly Invitae), Labcorp
Classification: Uncertain significance for Rhabdoid tumor predisposition syndrome 2. Last evaluated: 2023-12-03. Review status: criteria provided, single submitter. Criteria: Invitae Variant Classification Sherloc (09022015). Collection method: clinical testing. Allele origin: germline.
Comment: This sequence change replaces arginine, which is basic and polar, with glycine, which is neutral and non-polar, at codon 1653 of the SMARCA4 protein (p.Arg1653Gly). This variant is not present in population databases (gnomAD no frequency). This variant has not been reported in the literature in individuals affected with SMARCA4-related conditions. ClinVar contains an entry for this variant (Variation ID: 1520133). Advanced modeling of protein sequence and biophysical properties (such as structural, functional, and spatial information, amino acid conservation, physicochemical variation, residue mobility, and thermodynamic stability) performed at Invitae indicates that this missense variant is not expected to disrupt SMARCA4 protein function with a negative predictive value of 95%. In summary, the available evidence is currently insufficient to determine the role of this variant in disease. Therefore, it has been classified as a Variant of Uncertain Significance.

NM_003072.5(SMARCA4):c.4861C>G (p.Arg1621Gly)

Gene: SMARCA4 (SWI/SNF related BAF chromatin remodeling complex subunit ATPase 4; plus strand). Cytogenetic location: 19p13.2.
Variant type: single nucleotide variant.
Coding change: c.4861C>G on transcript NM_003072.5 (MANE Select); coding-DNA position 4861, C replaced by G.
Protein change: p.Arg1621Gly; replaces arginine 1621 with glycine.
Molecular consequence: missense variant. On other transcripts: non-coding transcript variant (1).
Genome position (GRCh38, 1-based): chr19:11,060,137, C>G. VCF-style: chr19-11060137-C-G. GRCh37 (hg19) VCF-style: chr19-11170813-C-G.
Other names: c.4861C>G, p.Arg1621Gly (NM_001128844.3); c.4771C>G, p.Arg1591Gly (NM_001128845.2); c.4768C>G, p.Arg1590Gly (NM_001128846.2); c.4762C>G, p.Arg1588Gly (NM_001128847.4, NM_001374457.1); c.4759C>G, p.Arg1587Gly (NM_001128848.2); c.4957C>G, p.Arg1653Gly (NM_001128849.3, NM_001387283.1); short protein forms R1588G, R1621G, R1590G, R1591G, R1587G, R1653G.
Identifiers: ClinVar variation 1520133 (VCV001520133.8), dbSNP rs955207258, ClinGen allele CA404080764.
Genomic context (GRCh38, chr19:11,060,137, plus strand): 5'-CGGAAGGAGAAGGCACAGGACCGGCTGAAGGGCGGCCGGCGGCGGCCGAGCCGAGGGTCC[C>G]GAGCCAAGCCGGTCGTGAGTGACGATGACAGTGAGGAGGAACAAGAGGAGGTGAGGCCGG-3'
Protein context (NP_003063.2, residues 1611-1631): GGRRRPSRGS[Arg1621Gly]AKPVVSDDDS